The following is an entry in ClinVar:

ClinVar aggregate classification (germline): Benign/Likely benign. Review status: criteria provided, multiple submitters, no conflicts (2 of 4 stars). 5 submissions from 5 submitters: Benign (2); Likely benign (3). Last evaluated 2026-01-26.

Conditions:
Deficiency of hydroxymethylglutaryl-CoA lyase (HMGCLD). Also called: HMGCL DEFICIENCY; HYDROXYMETHYLGLUTARIC ACIDURIA; HMG-CoA LYASE DEFICIENCY; Defect in leucine metabolism; 3-hydroxy-3-methylglutaric aciduria. Identifiers: Orphanet 20, MedGen C1533587, MONDO:0009520, OMIM 246450.

Allele frequency attached by ClinVar (database versions not stated): gnomAD 0.00043 and 0.00070; TOPMed 0.00059; gnomAD exomes 0.00063 and 0.00139; ExAC 0.00124; 1000 Genomes Project 30x 0.00359; 1000 Genomes Project 0.00379.

Submissions (5):

Labcorp Genetics (formerly Invitae), Labcorp
Classification: Benign for Deficiency of hydroxymethylglutaryl-CoA lyase. Last evaluated: 2026-01-26. Review status: criteria provided, single submitter. Criteria: Invitae Variant Classification Sherloc (09022015). Collection method: clinical testing. Allele origin: germline.

Genome-Nilou Lab
Classification: Likely benign for Deficiency of hydroxymethylglutaryl-CoA lyase. Last evaluated: 2023-04-11. Review status: criteria provided, single submitter. Criteria: ACMG Guidelines, 2015. Collection method: clinical testing. Allele origin: germline. Affected: no.

Women's Health and Genetics/Laboratory Corporation of America, LabCorp
Classification: Likely benign. Last evaluated: 2022-12-24. Review status: criteria provided, single submitter. Criteria: LabCorp Variant Classification Summary - May 2015. Collection method: clinical testing. Allele origin: germline.

GeneDx
Classification: Likely benign. Last evaluated: 2017-11-10. Review status: criteria provided, single submitter. Criteria: GeneDx Variant Classification (06012015). Collection method: clinical testing. Allele origin: germline. Affected: yes.
Comment: This variant is considered likely benign or benign based on one or more of the following criteria: it is a conservative change, it occurs at a poorly conserved position in the protein, it is predicted to be benign by multiple in silico algorithms, and/or has population frequency not consistent with disease.

Illumina Laboratory Services, Illumina
Classification: Benign for Deficiency of hydroxymethylglutaryl-CoA lyase. Last evaluated: 2017-04-28. Review status: criteria provided, single submitter. Criteria: ICSL Variant Classification Criteria 13 December 2019. Collection method: clinical testing. Allele origin: germline.
Comment: This variant was observed as part of a predisposition screen in an ostensibly healthy population. A literature search was performed for the gene, cDNA change, and amino acid change (where applicable). No publications were found based on this search. Allele frequency data from public databases was too high to be consistent with this variant causing disease. Therefore, this variant is classified as benign.

NM_000191.3(HMGCL):c.443A>G (p.Gln148Arg)

Gene: HMGCL (3-hydroxy-3-methylglutaryl-CoA lyase; minus strand). Cytogenetic location: 1p36.11.
Variant type: single nucleotide variant.
Coding change: c.443A>G on transcript NM_000191.3 (MANE Select); coding-DNA position 443, A replaced by G.
Protein change: p.Gln148Arg; replaces glutamine 148 with arginine.
Molecular consequence: missense variant. On other transcripts: intron variant (1).
Genome position (GRCh38, 1-based): chr1:23,814,244, T>C on the plus strand (A>G on the coding strand, the complement: HMGCL is on the minus strand). VCF-style: chr1-23814244-T-C. GRCh37 (hg19) VCF-style: chr1-24140734-T-C.
Other names: c.348+2431A>G (NM_001166059.2); short protein forms Q148R.
Identifiers: ClinVar variation 513090 (VCV000513090.17), dbSNP rs192833530, ClinGen allele CA686102.